The following is an entry in ClinVar:

NM_004606.5(TAF1):c.721C>G (p.Arg241Gly)

Gene: TAF1 (TATA-box binding protein associated factor 1; plus strand). Cytogenetic location: Xq13.1.
Variant type: single nucleotide variant.
Coding change: c.721C>G on transcript NM_004606.5 (MANE Select); coding-DNA position 721, C replaced by G.
Protein change: p.Arg241Gly; replaces arginine 241 with glycine.
Molecular consequence: missense variant. On other transcripts: non-coding transcript variant (9).
Genome position (GRCh38, 1-based): chrX:71,377,609, C>G. VCF-style: chrX-71377609-C-G. GRCh37 (hg19) VCF-style: chrX-70597459-C-G.
Other names: c.721C>G, p.Arg241Gly (NM_001286074.2); c.658C>G, p.Arg220Gly (NM_138923.4); short protein forms R241G, R220G.
Identifiers: ClinVar variation 3702094 (VCV003702094.2).

ClinVar aggregate classification (germline): Uncertain significance (1 of 4 stars; one submission).

Submission:

Labcorp Genetics (formerly Invitae), Labcorp
Classification: Uncertain significance. Last evaluated: 2024-07-24. Review status: criteria provided, single submitter. Criteria: Invitae Variant Classification Sherloc (09022015). Collection method: clinical testing. Allele origin: germline.
Comment: This sequence change replaces arginine, which is basic and polar, with glycine, which is neutral and non-polar, at codon 261 of the TAF1 protein (p.Arg261Gly). This variant is not present in population databases (gnomAD no frequency). This variant has not been reported in the literature in individuals affected with TAF1-related conditions. An algorithm developed to predict the effect of missense changes on protein structure and function (PolyPhen-2) suggests that this variant is likely to be disruptive. In summary, the available evidence is currently insufficient to determine the role of this variant in disease. Therefore, it has been classified as a Variant of Uncertain Significance.